The following is an entry in ClinVar:

ClinVar aggregate classification (germline): Uncertain significance (1 of 4 stars; one submission).

Conditions:
Cardiomyopathy (CMYO). Also called: Cardiomyopathies. Identifiers: Orphanet 167848, MedGen C0878544, MONDO:0004994, HP:0001638. Inheritance: Various modes of inheritance.

Submission:

Color Diagnostics, LLC DBA Color Health
Classification: Uncertain significance for Cardiomyopathy. Last evaluated: 2025-11-05. Review status: criteria provided, single submitter. Criteria: ACMG Guidelines, 2015. Collection method: clinical testing. Allele origin: germline.
Comment: This variant causes an A to G nucleotide substitution at the +3 position of intron 89 of the RYR2 gene. To our knowledge, functional studies have not been reported for this variant. This variant has not been reported in individuals affected with RYR2-related disorders in the literature. This variant has not been identified in the general population by the Genome Aggregation Database (gnomAD). The available evidence is insufficient to determine the role of this variant in disease conclusively. Therefore, this variant is classified as a Variant of Uncertain Significance.

NM_001035.3(RYR2):c.11962+3A>G

Gene: RYR2 (ryanodine receptor 2; plus strand). Cytogenetic location: 1q43.
Variant type: single nucleotide variant.
Coding change: c.11962+3A>G on transcript NM_001035.3 (MANE Select); 3 bases into the intron after coding-DNA position 11962, A replaced by G.
Molecular consequence: intron variant.
Genome position (GRCh38, 1-based): chr1:237,781,649, A>G. VCF-style: chr1-237781649-A-G. GRCh37 (hg19) VCF-style: chr1-237944949-A-G.
Identifiers: ClinVar variation 4758249 (VCV004758249.1).
Genomic context (GRCh38, chr1:237,781,649, plus strand): 5'-AAAGAATTAATGGATCTGCAGAAGGATATGGTGGTCATGTTGCTGTCCATGTTAGAAGGT[A>G]GTTTTGATTTATACTTTTAAATTCTCTTTATTATCTTATTTAAAGGATCAGCATGGGCTT-3'